The following is an entry in ClinVar:

ClinVar aggregate classification (germline): Uncertain significance (1 of 4 stars; one submission).

Conditions:
Joubert syndrome 23 (JBTS23). Identifiers: Orphanet 475, MedGen C4084822, MONDO:0014664, OMIM 616490.

Submission:

Baylor Genetics
Classification: Uncertain significance for Joubert syndrome 23. Last evaluated: 2019-03-28. Review status: criteria provided, single submitter. Criteria: ACMG Guidelines, 2015. Collection method: clinical testing. Allele origin: unknown. Affected: yes.
Comment: This variant was determined to be of uncertain significance according to ACMG Guidelines, 2015 [PMID:25741868].

NM_001329943.3(KIAA0586):c.2336C>A (p.Ser779Tyr)

Gene: KIAA0586 (KIAA0586; plus strand). Cytogenetic location: 14q23.1.
Variant type: single nucleotide variant.
Coding change: c.2336C>A on transcript NM_001329943.3 (MANE Select); coding-DNA position 2336, C replaced by A.
Protein change: p.Ser779Tyr; replaces serine 779 with tyrosine.
Molecular consequence: missense variant.
Genome position (GRCh38, 1-based): chr14:58,467,816, C>A. VCF-style: chr14-58467816-C-A. GRCh37 (hg19) VCF-style: chr14-58934534-C-A.
Other names: c.2495C>A, p.Ser832Tyr (NM_001244189.2); c.2291C>A, p.Ser764Tyr (NM_001244190.2); c.2081C>A, p.Ser694Tyr (NM_001244191.2, NM_001329945.2, NM_001364700.1 and 1 more transcripts); c.2204C>A, p.Ser735Tyr (NM_001244192.2); c.1916C>A, p.Ser639Tyr (NM_001244193.2); c.2336C>A, p.Ser779Tyr (NM_001329944.2, NM_001329946.2, NM_001329947.2); c.2108C>A, p.Ser703Tyr (NM_014749.5); short protein forms S703Y, S764Y, S832Y, S779Y, S639Y, S694Y, S735Y.
Identifiers: ClinVar variation 1031251 (VCV001031251.1), dbSNP rs2040884061, ClinGen allele CA389875212.